The following is an entry in ClinVar:

ClinVar aggregate classification (germline): Likely benign (1 of 4 stars; one submission).

Allele frequency attached by ClinVar (database versions not stated): 1000 Genomes Project 0.00180; 1000 Genomes Project 30x 0.00187; ExAC 0.00354; TOPMed 0.00386; gnomAD 0.00387; ESP Exome Variant Server 0.00454; gnomAD exomes 0.00525.
gnomAD v4.1: 8,171 of 1,614,096 alleles (0.51%); highest among the groups gnomAD compares: Non-Finnish European, 0.63%; 18 homozygotes.

Submissions (26):

CeGaT Center for Human Genetics Tuebingen
Classification: Likely benign. Last evaluated: 2026-08-01. Review status: criteria provided, single submitter. Criteria: CeGaT Center For Human Genetics Tuebingen Variant Classification Criteria Version 2. Collection method: clinical testing. Allele origin: germline. Affected: yes. Observed: 3 variant alleles.
Comment: RRP12: BP4, BP7, BS2

Dr. Peter K. Rogan Lab, Western University
No classification provided (evidence only). Condition: Clear cell carcinoma of kidney. Review status: no classification provided. Collection method: in vitro. Allele origin: not applicable. Functional consequence: retained intron. Not counted in ClinVar's aggregate classification.

Dr. Peter K. Rogan Lab, Western University
No classification provided (evidence only). Condition: Clear cell carcinoma of kidney. Review status: no classification provided. Collection method: in vitro. Allele origin: not applicable. Functional consequence: skipped exon, retained intron. Not counted in ClinVar's aggregate classification.

Dr. Peter K. Rogan Lab, Western University
No classification provided (evidence only). Condition: Clear cell carcinoma of kidney. Review status: no classification provided. Collection method: in vitro. Allele origin: not applicable. Functional consequence: skipped exon. Not counted in ClinVar's aggregate classification.

Dr. Peter K. Rogan Lab, Western University
No classification provided (evidence only). Condition: Lung cancer. Review status: no classification provided. Collection method: in vitro. Allele origin: not applicable. Functional consequence: skipped exon. Not counted in ClinVar's aggregate classification.

Dr. Peter K. Rogan Lab, Western University
No classification provided (evidence only). Condition: Familial cancer of breast. Review status: no classification provided. Collection method: in vitro. Allele origin: not applicable. Functional consequence: skipped exon. Not counted in ClinVar's aggregate classification.

Dr. Peter K. Rogan Lab, Western University
No classification provided (evidence only). Condition: Familial cancer of breast. Review status: no classification provided. Collection method: in vitro. Allele origin: not applicable. Functional consequence: skipped exon. Not counted in ClinVar's aggregate classification.

Dr. Peter K. Rogan Lab, Western University
No classification provided (evidence only). Condition: Familial cancer of breast. Review status: no classification provided. Collection method: in vitro. Allele origin: not applicable. Functional consequence: retained intron. Not counted in ClinVar's aggregate classification.

Dr. Peter K. Rogan Lab, Western University
No classification provided (evidence only). Condition: Familial cancer of breast. Review status: no classification provided. Collection method: in vitro. Allele origin: not applicable. Functional consequence: skipped exon. Not counted in ClinVar's aggregate classification.

Dr. Peter K. Rogan Lab, Western University
No classification provided (evidence only). Condition: Acute myeloid leukemia. Review status: no classification provided. Collection method: in vitro. Allele origin: not applicable. Functional consequence: retained intron. Not counted in ClinVar's aggregate classification.

Dr. Peter K. Rogan Lab, Western University
No classification provided (evidence only). Condition: Acute myeloid leukemia. Review status: no classification provided. Collection method: in vitro. Allele origin: not applicable. Functional consequence: retained intron. Not counted in ClinVar's aggregate classification.

Dr. Peter K. Rogan Lab, Western University
No classification provided (evidence only). Condition: Acute myeloid leukemia. Review status: no classification provided. Collection method: in vitro. Allele origin: not applicable. Functional consequence: skipped exon. Not counted in ClinVar's aggregate classification.

Dr. Peter K. Rogan Lab, Western University
No classification provided (evidence only). Condition: Thyroid cancer, nonmedullary, 1. Review status: no classification provided. Collection method: in vitro. Allele origin: not applicable. Functional consequence: skipped exon. Not counted in ClinVar's aggregate classification.

Dr. Peter K. Rogan Lab, Western University
No classification provided (evidence only). Condition: Thyroid cancer, nonmedullary, 1. Review status: no classification provided. Collection method: in vitro. Allele origin: not applicable. Functional consequence: skipped exon. Not counted in ClinVar's aggregate classification.

Dr. Peter K. Rogan Lab, Western University
No classification provided (evidence only). Condition: Sarcoma. Review status: no classification provided. Collection method: in vitro. Allele origin: not applicable. Functional consequence: skipped exon, retained intron. Not counted in ClinVar's aggregate classification.

Dr. Peter K. Rogan Lab, Western University
No classification provided (evidence only). Condition: Sarcoma. Review status: no classification provided. Collection method: in vitro. Allele origin: not applicable. Functional consequence: skipped exon. Not counted in ClinVar's aggregate classification.

Dr. Peter K. Rogan Lab, Western University
No classification provided (evidence only). Condition: Nonpapillary renal cell carcinoma. Review status: no classification provided. Collection method: in vitro. Allele origin: not applicable. Functional consequence: skipped exon, retained intron. Not counted in ClinVar's aggregate classification.

Dr. Peter K. Rogan Lab, Western University
No classification provided (evidence only). Condition: Ovarian serous cystadenocarcinoma. Review status: no classification provided. Collection method: in vitro. Allele origin: not applicable. Functional consequence: retained intron. Not counted in ClinVar's aggregate classification.

Dr. Peter K. Rogan Lab, Western University
No classification provided (evidence only). Condition: Ovarian serous cystadenocarcinoma. Review status: no classification provided. Collection method: in vitro. Allele origin: not applicable. Functional consequence: retained intron. Not counted in ClinVar's aggregate classification.

Dr. Peter K. Rogan Lab, Western University
No classification provided (evidence only). Condition: Ovarian serous cystadenocarcinoma. Review status: no classification provided. Collection method: in vitro. Allele origin: not applicable. Functional consequence: retained intron. Not counted in ClinVar's aggregate classification.

Dr. Peter K. Rogan Lab, Western University
No classification provided (evidence only). Condition: Ovarian serous cystadenocarcinoma. Review status: no classification provided. Collection method: in vitro. Allele origin: not applicable. Functional consequence: retained intron. Not counted in ClinVar's aggregate classification.

Dr. Peter K. Rogan Lab, Western University
No classification provided (evidence only). Condition: Gastric cancer. Review status: no classification provided. Collection method: in vitro. Allele origin: not applicable. Functional consequence: retained intron. Not counted in ClinVar's aggregate classification.

Dr. Peter K. Rogan Lab, Western University
No classification provided (evidence only). Condition: Gastric cancer. Review status: no classification provided. Collection method: in vitro. Allele origin: not applicable. Functional consequence: retained intron. Not counted in ClinVar's aggregate classification.

Dr. Peter K. Rogan Lab, Western University
No classification provided (evidence only). Condition: Adrenocortical carcinoma, hereditary. Review status: no classification provided. Collection method: in vitro. Allele origin: not applicable. Functional consequence: retained intron. Not counted in ClinVar's aggregate classification.

Dr. Peter K. Rogan Lab, Western University
No classification provided (evidence only). Condition: Malignant tumor of esophagus. Review status: no classification provided. Collection method: in vitro. Allele origin: not applicable. Functional consequence: skipped exon, retained intron. Not counted in ClinVar's aggregate classification.

Dr. Peter K. Rogan Lab, Western University
No classification provided (evidence only). Condition: Malignant tumor of esophagus. Review status: no classification provided. Collection method: in vitro. Allele origin: not applicable. Functional consequence: skipped exon, retained intron. Not counted in ClinVar's aggregate classification.

NM_015179.4(RRP12):c.1260G>A (p.Ala420=)

Gene: RRP12 (ribosomal RNA processing 12 homolog; minus strand). Cytogenetic location: 10q24.1.
Variant type: single nucleotide variant.
Coding change: c.1260G>A on transcript NM_015179.4 (MANE Select); coding-DNA position 1260, G replaced by A.
Protein change: p.Ala420=; no amino-acid change (alanine 420 retained).
Molecular consequence: synonymous variant.
Genome position (GRCh38, 1-based): chr10:97,381,775, C>T on the plus strand (G>A on the coding strand, the complement: RRP12 is on the minus strand). VCF-style: chr10-97381775-C-T. GRCh37 (hg19) VCF-style: chr10-99141532-C-T.
Other names: NC_000010.10:g.99141532C>T; c.1077G>A, p.Ala359= (NM_001145114.1); c.960G>A, p.Ala320= (NM_001284337.2).
Identifiers: ClinVar variation 2640738 (VCV002640738.25), dbSNP rs147919637, ClinGen allele CA5630760.